The following is an entry in ClinVar:

NC_000016.9:g.(?_89805009)_(89816330_?)del

Genes: FANCA (FA complementation group A; minus strand), ZNF276 (zinc finger protein 276; plus strand). Cytogenetic location: 16q24.3.
Variant type: Deletion.
Identifiers: ClinVar variation 3243271 (VCV003243271.1).

ClinVar aggregate classification (germline): Pathogenic (1 of 4 stars; one submission).

Conditions:
Fanconi anemia (FA). Also called: Fanconi's anemia. Identifiers: Orphanet 84, MedGen C0015625, MeSH D005199, MONDO:0019391.

Submission:

Labcorp Genetics (formerly Invitae), Labcorp
Classification: Pathogenic for Fanconi anemia. Last evaluated: 2023-07-18. Review status: criteria provided, single submitter. Criteria: Invitae Variant Classification Sherloc (09022015). Collection method: clinical testing. Allele origin: unknown.
Comment: For these reasons, this variant has been classified as Pathogenic. This variant disrupts a region of the FANCA protein in which other variant(s) (p.Asp1427Thrfs*6) have been determined to be pathogenic (PMID: 11091222, 29098742). This suggests that this is a clinically significant region of the protein, and that variants that disrupt it are likely to be disease-causing. This variant has not been reported in the literature in individuals affected with FANCA-related conditions. This variant is a gross deletion of the genomic region encompassing exon(s) 32-43 of the FANCA gene, which includes the termination codon. This deletion extends beyond the assayed region for this gene and therefore may encompass additional genes. While this deletion is not anticipated to lead to nonsense mediated decay, it is expected to alter mRNA translation or result in a truncated protein product.

Literature cited by the submitters: PubMed 11091222; PubMed 29098742.